The following is an entry in ClinVar:

ClinVar aggregate classification (germline): Likely benign (1 of 4 stars; one submission).

gnomAD v4.1: 166 of 1,599,674 alleles (0.01%); highest among the groups gnomAD compares: Middle Eastern, 0.017%; no homozygotes.

Submission:

CeGaT Center for Human Genetics Tuebingen
Classification: Likely benign. Last evaluated: 2026-08-01. Review status: criteria provided, single submitter. Criteria: CeGaT Center For Human Genetics Tuebingen Variant Classification Criteria Version 2. Collection method: clinical testing. Allele origin: germline. Affected: yes. Observed: 1 variant allele.
Comment: GAS6: BP4, BP7

NM_000820.4(GAS6):c.1704G>A (p.Lys568=)

Genes: GAS6 (growth arrest specific 6; minus strand), GAS6-AS1 (GAS6 antisense RNA 1; plus strand). Cytogenetic location: 13q34.
Variant type: single nucleotide variant.
Coding change: c.1704G>A on transcript NM_000820.4 (MANE Select); coding-DNA position 1704, G replaced by A.
Protein change: p.Lys568=; no amino-acid change (lysine 568 retained).
Molecular consequence: synonymous variant.
Genome position (GRCh38, 1-based): chr13:113,822,136, C>T on the plus strand (G>A on the coding strand, the complement: GAS6 is on the minus strand). VCF-style: chr13-113822136-C-T. GRCh37 (hg19) VCF-style: chr13-114525109-C-T.
Identifiers: ClinVar variation 5039067 (VCV005039067.1).
Genomic context (GRCh38, chr13:113,822,136, plus strand): 5'-CAGGGTGGCCTCACCGTCCCTCAGCGAGACGGTGACCACGTGCTCTTGGCCGTCGCAGAC[C>T]TTGATCTCCATTAGGGCCAAGGCCGTATGCTCCACGGCCAGGACCACCAGCTGCAGGAGA-3'
Protein context (NP_000811.1, residues 558-578): EHTALALMEI[Lys568=]VCDGQEHVVT